The following is an entry in ClinVar:

ClinVar aggregate classification (germline): Uncertain significance (1 of 4 stars; one submission).

Submission:

Labcorp Genetics (formerly Invitae), Labcorp
Classification: Uncertain significance. Last evaluated: 2022-04-28. Review status: criteria provided, single submitter. Criteria: Invitae Variant Classification Sherloc (09022015). Collection method: clinical testing. Allele origin: germline.
Comment: In summary, the available evidence is currently insufficient to determine the role of this variant in disease. Therefore, it has been classified as a Variant of Uncertain Significance. Algorithms developed to predict the effect of missense changes on protein structure and function are either unavailable or do not agree on the potential impact of this missense change (SIFT: "Deleterious"; PolyPhen-2: "Benign"; Align-GVGD: "Class C0"). This variant has not been reported in the literature in individuals affected with MTHFD1-related conditions. This variant is not present in population databases (gnomAD no frequency). This sequence change replaces leucine, which is neutral and non-polar, with histidine, which is basic and polar, at codon 773 of the MTHFD1 protein (p.Leu773His).

NM_005956.4(MTHFD1):c.2318T>A (p.Leu773His)

Genes: ZBTB25 (zinc finger and BTB domain containing 25; minus strand), MTHFD1 (methylenetetrahydrofolate dehydrogenase, cyclohydrolase and formyltetrahydrofolate synthetase 1; plus strand). Cytogenetic location: 14q23.3.
Variant type: single nucleotide variant.
Coding change: c.2318T>A on transcript NM_005956.4 (MANE Select); coding-DNA position 2318, T replaced by A.
Protein change: p.Leu773His; replaces leucine 773 with histidine.
Molecular consequence: missense variant. On other transcripts: 3 prime UTR variant (1).
Genome position (GRCh38, 1-based): chr14:64,449,483, T>A. VCF-style: chr14-64449483-T-A. GRCh37 (hg19) VCF-style: chr14-64916201-T-A.
Other names: c.2318T>A, p.Leu773His (NM_001364837.1); c.*68A>T (NM_001304508.1); short protein forms L773H.
Identifiers: ClinVar variation 2131298 (VCV002131298.4), dbSNP rs2550506880, ClinGen allele CA390002455.